The following is an entry in ClinVar:

ClinVar aggregate classification (germline): Likely benign. Review status: criteria provided, single submitter (1 of 4 stars). 2 submissions from 2 submitters: Likely benign (1). 1 of the submissions does not count toward it. Last evaluated 2024-08-01.

Conditions:
NUP160-related disorder. Also called: NUP160-related condition.

Allele frequency attached by ClinVar (database versions not stated): TOPMed 0.00114; gnomAD 0.00180; gnomAD exomes 0.00200; ExAC 0.00312.

Submissions (2):

CeGaT Center for Human Genetics Tuebingen
Classification: Likely benign. Last evaluated: 2024-08-01. Review status: criteria provided, single submitter. Criteria: CeGaT Center For Human Genetics Tuebingen Variant Classification Criteria Version 2. Collection method: clinical testing. Allele origin: germline. Affected: yes. Observed: 2 variant alleles.
Comment: NUP160: BP4

PreventionGenetics, part of Exact Sciences
Classification: Likely benign for NUP160-related condition. Last evaluated: 2022-03-28. Review status: no assertion criteria provided. Collection method: clinical testing. Allele origin: germline. Not counted in ClinVar's aggregate classification.
Comment: This variant is classified as likely benign based on ACMG/AMP sequence variant interpretation guidelines (Richards et al. 2015 PMID: 25741868, with internal and published modifications).

NM_015231.3(NUP160):c.423+128T>G

Gene: NUP160 (nucleoporin 160; minus strand). Cytogenetic location: 11p11.2.
Variant type: single nucleotide variant.
Coding change: c.423+128T>G on transcript NM_015231.3 (MANE Select); 128 bases into the intron after coding-DNA position 423, T replaced by G.
Molecular consequence: intron variant. On other transcripts: missense variant (1).
Genome position (GRCh38, 1-based): chr11:47,840,250, A>C on the plus strand (T>G on the coding strand, the complement: NUP160 is on the minus strand). VCF-style: chr11-47840250-A-C. GRCh37 (hg19) VCF-style: chr11-47861802-A-C.
Other names: c.653T>G, p.Phe218Cys (NM_001318399.1); short protein forms F218C.
Identifiers: ClinVar variation 2641770 (VCV002641770.25), dbSNP rs759499746, ClinGen allele CA5981619.
Genomic context (GRCh38, chr11:47,840,250, plus strand): 5'-TAATGAAAACTAATTCTCAACTTAAAATGTATGCCTGATCATTTTAAGCGGTAGCTATCA[A>C]AGTATGCTTGGTGAGGGATAACGAGAATCCAAATTTCCTTCAATTCCAAAAGACATCGCT-3'